The following is an entry in ClinVar:

NM_198253.3(TERT):c.1157A>G (p.Tyr386Cys)

Gene: TERT (telomerase reverse transcriptase; minus strand). Cytogenetic location: 5p15.33.
Variant type: single nucleotide variant.
Coding change: c.1157A>G on transcript NM_198253.3 (MANE Select); coding-DNA position 1157, A replaced by G.
Protein change: p.Tyr386Cys; replaces tyrosine 386 with cysteine.
Molecular consequence: missense variant. On other transcripts: non-coding transcript variant (2).
Genome position (GRCh38, 1-based): chr5:1,293,729, T>C on the plus strand (A>G on the coding strand, the complement: TERT is on the minus strand). VCF-style: chr5-1293729-T-C. GRCh37 (hg19) VCF-style: chr5-1293844-T-C.
Other names: c.1157A>G, p.Tyr386Cys (NM_001193376.3, NM_003219.1); short protein forms Y386C.
Identifiers: ClinVar variation 1735586 (VCV001735586.4), dbSNP rs2478413730, ClinGen allele CA359086709.

ClinVar aggregate classification (germline): Uncertain significance. Review status: criteria provided, multiple submitters, no conflicts (2 of 4 stars). 2 submissions from 2 submitters: Uncertain significance (2). Last evaluated 2024-05-23.

Conditions:
Dyskeratosis congenita, autosomal dominant 2. Identifiers: MedGen C3151443, MONDO:0013521, OMIM 613989.
Idiopathic Pulmonary Fibrosis. Also called: Idiopathic fibrosing alveolitis, chronic form; idiopathic fibrosing alveolitis. Identifiers: Orphanet 2032, MedGen C1800706, MeSH D054990, MONDO:0800504.
Dyskeratosis congenita. Identifiers: Orphanet 1775, MedGen C0265965, MONDO:0015780.

Submissions (2):

Labcorp Genetics (formerly Invitae), Labcorp
Classification: Uncertain significance for Dyskeratosis congenita, autosomal dominant 2; Idiopathic Pulmonary Fibrosis. Last evaluated: 2024-05-23. Review status: criteria provided, single submitter. Criteria: Invitae Variant Classification Sherloc (09022015). Collection method: clinical testing. Allele origin: germline.
Comment: This sequence change replaces tyrosine, which is neutral and polar, with cysteine, which is neutral and slightly polar, at codon 386 of the TERT protein (p.Tyr386Cys). This variant is not present in population databases (gnomAD no frequency). This variant has not been reported in the literature in individuals affected with TERT-related conditions. ClinVar contains an entry for this variant (Variation ID: 1735586). Advanced modeling of protein sequence and biophysical properties (such as structural, functional, and spatial information, amino acid conservation, physicochemical variation, residue mobility, and thermodynamic stability) performed at Invitae indicates that this missense variant is expected to disrupt TERT protein function with a positive predictive value of 95%. In summary, the available evidence is currently insufficient to determine the role of this variant in disease. Therefore, it has been classified as a Variant of Uncertain Significance.

Ambry Genetics
Classification: Uncertain significance for Dyskeratosis congenita. Last evaluated: 2022-03-20. Review status: criteria provided, single submitter. Criteria: Ambry Variant Classification Scheme 2023. Collection method: clinical testing. Allele origin: germline.
Comment: The p.Y386C variant (also known as c.1157A>G), located in coding exon 2 of the TERT gene, results from an A to G substitution at nucleotide position 1157. The tyrosine at codon 386 is replaced by cysteine, an amino acid with highly dissimilar properties. This amino acid position is conserved. In addition, this alteration is predicted to be deleterious by in silico analysis. Since supporting evidence is limited at this time, the clinical significance of this alteration remains unclear.